The following is an entry in ClinVar:

NM_004281.4(BAG3):c.534C>G (p.Asp178Glu)

Gene: BAG3 (BAG cochaperone 3; plus strand). Cytogenetic location: 10q26.11.
Variant type: single nucleotide variant.
Coding change: c.534C>G on transcript NM_004281.4 (MANE Select); coding-DNA position 534, C replaced by G.
Protein change: p.Asp178Glu; replaces aspartic acid 178 with glutamic acid.
Molecular consequence: missense variant.
Genome position (GRCh38, 1-based): chr10:119,672,281, C>G. VCF-style: chr10-119672281-C-G. GRCh37 (hg19) VCF-style: chr10-121431793-C-G.
Other names: short protein forms D178E.
Identifiers: ClinVar variation 1403403 (VCV001403403.11), dbSNP rs1847160690, ClinGen allele CA378295288.

ClinVar aggregate classification (germline): Conflicting classifications of pathogenicity. Review status: criteria provided, conflicting classifications (1 of 4 stars). 4 submissions from 4 submitters: Uncertain significance (3); Likely benign (1). Last evaluated 2025-02-13.

Conditions:
Cardiovascular phenotype. Identifiers: MedGen CN230736.
Dilated cardiomyopathy 1HH (CMD1HH). Identifiers: Orphanet 154, MedGen C3151293, MONDO:0013479, OMIM 613881.
Myofibrillar myopathy 6. Identifiers: Orphanet 199340, MedGen C2751831, MONDO:0013061, OMIM 612954.

Allele frequency attached by ClinVar (database versions not stated): TOPMed below 0.00001.

Submissions (4):

Labcorp Genetics (formerly Invitae), Labcorp
Classification: Uncertain significance for Dilated cardiomyopathy 1HH; Myofibrillar myopathy 6. Last evaluated: 2025-02-13. Review status: criteria provided, single submitter. Criteria: Invitae Variant Classification Sherloc (09022015). Collection method: clinical testing. Allele origin: germline.
Comment: This sequence change replaces aspartic acid, which is acidic and polar, with glutamic acid, which is acidic and polar, at codon 178 of the BAG3 protein (p.Asp178Glu). This variant is not present in population databases (gnomAD no frequency). This variant has not been reported in the literature in individuals affected with BAG3-related conditions. ClinVar contains an entry for this variant (Variation ID: 1403403). An algorithm developed to predict the effect of missense changes on protein structure and function (PolyPhen-2) suggests that this variant is likely to be disruptive. In summary, the available evidence is currently insufficient to determine the role of this variant in disease. Therefore, it has been classified as a Variant of Uncertain Significance.

Ambry Genetics
Classification: Likely benign for Cardiovascular phenotype. Last evaluated: 2024-11-22. Review status: criteria provided, single submitter. Criteria: Ambry Variant Classification Scheme 2023. Collection method: clinical testing. Allele origin: germline.

GeneDx
Classification: Uncertain significance. Last evaluated: 2024-08-01. Review status: criteria provided, single submitter. Criteria: GeneDx Variant Classification Process June 2021. Collection method: clinical testing. Allele origin: germline.
Comment: Not observed at significant frequency in large population cohorts (gnomAD); In silico analysis indicates that this missense variant does not alter protein structure/function; Has not been previously published as pathogenic or benign to our knowledge

Revvity Omics, Revvity
Classification: Uncertain significance. Last evaluated: 2019-12-09. Review status: criteria provided, single submitter. Criteria: ACMG Guidelines, 2015. Collection method: clinical testing. Allele origin: germline.

Literature cited by the submitters: PubMed 38849547 (cited by Ambry Genetics).